The following is an entry in ClinVar:

ClinVar aggregate classification (germline): Uncertain significance. Review status: criteria provided, multiple submitters, no conflicts (2 of 4 stars). 2 submissions from 2 submitters: Uncertain significance (2). Last evaluated 2024-03-12.

Conditions:
Fibrosis of extraocular muscles, congenital, 3b. Identifiers: MedGen C2751105, MONDO:0800209.

Submissions (2):

Broad Center for Mendelian Genomics, Broad Institute of MIT and Harvard
Classification: Uncertain significance for Fibrosis of extraocular muscles, congenital, 3b. Last evaluated: 2024-03-12. Review status: criteria provided, single submitter. Criteria: ACMG Guidelines, 2015. Collection method: curation. Allele origin: germline. Inheritance: Autosomal dominant inheritance.
Comment: We believe this is a possible phenotype expansion for CFEOM. The p.Pro839Leu variant in KIF21A has not been previously reported in the literature in individuals with congenital fibrosis of the extraocular muscles. This variant has also been reported in ClinVar (Variation ID: 806865) and has been interpreted as a variant of uncertain significance by the CeGaT Center for Human Genetics Tuebingen. This variant was absent from large population studies. Computational prediction tools, including splice predictors, and conservation analyses suggest that this variant may not impact the protein, though this information is not predictive enough to rule out pathogenicity. In summary, the clinical significance of the p.Pro839Leu variant is uncertain. ACMG/AMP Criteria applied: BP4, PM2_Supporting (Richards 2015).

CeGaT Center for Human Genetics Tuebingen
Classification: Uncertain significance. Last evaluated: 2018-07-01. Review status: criteria provided, single submitter. Criteria: CeGaT Center For Human Genetics Tuebingen Variant Classification Criteria Version 2. Collection method: clinical testing. Allele origin: germline. Affected: yes. Observed: 1 variant allele.

Literature cited by the submitters: PubMed 39033378 (cited by Broad Center for Mendelian Genomics, Broad Institute of MIT and Harvard).

NM_001173464.2(KIF21A):c.2516C>T (p.Pro839Leu)

Gene: KIF21A (kinesin family member 21A; minus strand). Cytogenetic location: 12q12.
Variant type: single nucleotide variant.
Coding change: c.2516C>T on transcript NM_001173464.2 (MANE Select); coding-DNA position 2516, C replaced by T.
Protein change: p.Pro839Leu; replaces proline 839 with leucine.
Molecular consequence: missense variant.
Genome position (GRCh38, 1-based): chr12:39,333,079, G>A on the plus strand (C>T on the coding strand, the complement: KIF21A is on the minus strand). VCF-style: chr12-39333079-G-A. GRCh37 (hg19) VCF-style: chr12-39726881-G-A.
Other names: NM_001173464.2(KIF21A):c.2516C>T; p.Pro839Leu; c.2477C>T, p.Pro826Leu (NM_001173463.2, NM_017641.4); c.2408C>T, p.Pro803Leu (NM_001173465.2); short protein forms P803L, P839L, P826L.
Identifiers: ClinVar variation 806865 (VCV000806865.43), dbSNP rs1592198426, ClinGen allele CA384395358.
Genomic context (GRCh38, chr12:39,333,079, plus strand): 5'-GCAGGTGCATCAGATGAACTCAGCTTCCGAGTAACTTTCCCAGCCACTTTATCTGACATG[G>A]GTCTTACTTGCCGACGAAGAGCCGTAACCTGAAATTGCAGCAAAGGTTGACTCATTCTCT-3'
Protein context (NP_001166935.1, residues 829-849): EVTALRRQVR[Pro839Leu]MSDKVAGKVT